The following is an entry in ClinVar:

NM_000238.4(KCNH2):c.1908A>G (p.Ser636=)

Gene: KCNH2 (potassium voltage-gated channel subfamily H member 2; minus strand). Cytogenetic location: 7q36.1.
Variant type: single nucleotide variant.
Coding change: c.1908A>G on transcript NM_000238.4 (MANE Select); coding-DNA position 1908, A replaced by G.
Protein change: p.Ser636=; no amino-acid change (serine 636 retained).
Molecular consequence: synonymous variant. On other transcripts: non-coding transcript variant (2).
Genome position (GRCh38, 1-based): chr7:150,951,485, T>C on the plus strand (A>G on the coding strand, the complement: KCNH2 is on the minus strand). VCF-style: chr7-150951485-T-C. GRCh37 (hg19) VCF-style: chr7-150648573-T-C.
Other names: c.888A>G, p.Ser296= (NM_001204798.2, NM_172057.3); c.1620A>G, p.Ser540= (NM_001406753.1, NM_001406756.1); c.1731A>G, p.Ser577= (NM_001406755.1); c.1608A>G, p.Ser536= (NM_001406757.1); c.1908A>G, p.Ser636= (NM_172056.3).
Identifiers: ClinVar variation 749350 (VCV000749350.15), dbSNP rs753387993, ClinGen allele CA029746.

ClinVar aggregate classification (germline): Likely benign. Review status: criteria provided, multiple submitters, no conflicts (2 of 4 stars). 3 submissions from 3 submitters: Likely benign (3). Last evaluated 2024-09-11.

Conditions:
Cardiac arrhythmia. Also called: Arrhythmia; Cardiac rhythm disease. Identifiers: MedGen C0003811, MONDO:0007263, HP:0011675.
Long QT syndrome (LQTS). Identifiers: MedGen C0023976, MeSH D008133, MONDO:0002442. Disease mechanism: loss of function. Inheritance: Various modes of inheritance.

Allele frequency attached by ClinVar (database versions not stated): gnomAD exomes below 0.00001; ExAC 0.00001.
gnomAD v4.1: 2 of 1,614,178 alleles (0.00012%); highest among the groups gnomAD compares: Non-Finnish European, 0.00017%; no homozygotes.

Submissions (3):

All of Us Research Program, National Institutes of Health
Classification: Likely benign for Long QT syndrome. Last evaluated: 2024-09-11. Review status: criteria provided, single submitter. Criteria: ACMG Guidelines, 2015. Collection method: clinical testing. Allele origin: germline. Inheritance: Autosomal dominant inheritance. Observed: 1 variant allele, 1 heterozygote.
Comment: This study involves interpretation of variants in research participants for the purpose of population health screening. Participant phenotype was not available at the time of variant classification. Additional details can be found in publication PMID: 35346344, PMCID: PMC8962531

Labcorp Genetics (formerly Invitae), Labcorp
Classification: Likely benign for Long QT syndrome. Last evaluated: 2022-09-24. Review status: criteria provided, single submitter. Criteria: Invitae Variant Classification Sherloc (09022015). Collection method: clinical testing. Allele origin: germline.

Color Diagnostics, LLC DBA Color Health
Classification: Likely benign for Arrhythmia. Last evaluated: 2020-03-03. Review status: criteria provided, single submitter. Criteria: ACMG Guidelines, 2015. Collection method: clinical testing. Allele origin: germline.